The following is an entry in ClinVar:

NM_000535.7(PMS2):c.2415G>A (p.Gln805=)

Gene: PMS2 (PMS1 homolog 2, mismatch repair system component; minus strand). Cytogenetic location: 7p22.1.
Variant type: single nucleotide variant.
Coding change: c.2415G>A on transcript NM_000535.7 (MANE Select); coding-DNA position 2415, G replaced by A.
Protein change: p.Gln805=; no amino-acid change (glutamine 805 retained).
Molecular consequence: synonymous variant. On other transcripts: non-coding transcript variant (1).
Genome position (GRCh38, 1-based): chr7:5,977,618, C>T on the plus strand (G>A on the coding strand, the complement: PMS2 is on the minus strand). VCF-style: chr7-5977618-C-T. GRCh37 (hg19) VCF-style: chr7-6017249-C-T.
Other names: c.2010G>A, p.Gln670= (NM_001322003.2, NM_001322004.2, NM_001322005.2); c.2259G>A, p.Gln753= (NM_001322006.2); c.2097G>A, p.Gln699= (NM_001322007.2, NM_001322008.2); c.2043G>A, p.Gln681= (NM_001322009.2); c.1854G>A, p.Gln618= (NM_001322010.2); c.1482G>A, p.Gln494= (NM_001322011.2, NM_001322012.2); c.1842G>A, p.Gln614= (NM_001322013.2); c.2448G>A, p.Gln816= (NM_001322014.2); and 1 more.
Identifiers: ClinVar variation 455700 (VCV000455700.13), dbSNP rs780866508, ClinGen allele CA048082.
Genomic context (GRCh38, chr7:5,977,618, plus strand): 5'-TGAGCTGACAGCCAGGCTTTCTTTACTTACCGACTTCCGGCAGGCTCTGGAGGCAAACAT[C>T]TGCTTGACTCGGGAAGGCCGGCACATGACCCCAGGGCTGTCGCTCAGCATGAAGATCAGT-3'
Protein context (NP_000526.2, residues 795-815): GVMCRPSRVK[Gln805=]MFASRACRKS

ClinVar aggregate classification (germline): Benign/Likely benign. Review status: criteria provided, multiple submitters, no conflicts (2 of 4 stars). 3 submissions from 3 submitters: Benign (1); Likely benign (2). Last evaluated 2025-02-04.

Conditions:
Hereditary nonpolyposis colorectal neoplasms. Identifiers: MedGen C0009405, MeSH D003123.
Hereditary cancer-predisposing syndrome. Also called: Hereditary Cancer Syndrome; Hereditary neoplastic syndrome; Neoplastic Syndromes, Hereditary; Tumor predisposition. Identifiers: Orphanet 140162, MedGen C0027672, MeSH D009386, MONDO:0015356.
Lynch syndrome 4 (LYNCH4). Also called: Colorectal cancer, hereditary nonpolyposis, type 4; Hereditary non-polyposis colorectal cancer, type 4. Identifiers: Orphanet 144, MedGen C1838333, MONDO:0013699, OMIM 614337. Disease mechanism: loss of function.

Allele frequency attached by ClinVar (database versions not stated): ExAC below 0.00001; TOPMed below 0.00001; gnomAD 0.00001.
gnomAD v4.1: 1 of 1,589,328 alleles (0.000063%); highest among the groups gnomAD compares: Non-Finnish European, 0.000086%; no homozygotes.

Submissions (3):

Myriad Genetics, Inc.
Classification: Benign for Lynch syndrome 4. Last evaluated: 2025-02-04. Review status: criteria provided, single submitter. Criteria: Myriad Autosomal Dominant, Autosomal Recessive and X-Linked Classification Criteria (2023). Collection method: clinical testing. Allele origin: unknown.
Comment: This variant is considered benign. This variant is a silent/synonymous amino acid change and it is not expected to impact splicing.

Ambry Genetics
Classification: Likely benign for Hereditary cancer-predisposing syndrome. Last evaluated: 2023-12-30. Review status: criteria provided, single submitter. Criteria: Ambry Variant Classification Scheme 2023. Collection method: clinical testing. Allele origin: germline.

Labcorp Genetics (formerly Invitae), Labcorp
Classification: Likely benign for Hereditary nonpolyposis colorectal neoplasms. Last evaluated: 2019-11-14. Review status: criteria provided, single submitter. Criteria: Invitae Variant Classification Sherloc (09022015). Collection method: clinical testing. Allele origin: germline.